The following is an entry in ClinVar:

ClinVar aggregate classification (germline): Uncertain significance. Review status: criteria provided, multiple submitters, no conflicts (2 of 4 stars). 3 submissions from 3 submitters: Uncertain significance (3). Last evaluated 2025-12-13.

Conditions:
SH2B1-related disorder. Also called: SH2B1-related condition.

Allele frequency attached by ClinVar (database versions not stated): gnomAD 0.00004.

Submissions (3):

PreventionGenetics, part of Exact Sciences
Classification: Uncertain significance for SH2B1-related condition. Last evaluated: 2025-12-13. Review status: criteria provided, single submitter. Criteria: ACMG Guidelines, 2015. Collection method: clinical testing. Allele origin: germline.
Comment: The SH2B1 c.65C>A variant is predicted to result in the amino acid substitution p.Pro22Gln. This variant has been reported with a second SH2B1 variant, c.806G>T (p.Gly269Val), in an individual with severe early-onset obesity (Mohammed et al. 2023. PubMed ID: 37329217). This variant is reported in 0.015% of alleles in individuals of Latino descent in gnomAD V2. However, in gnomAD v4 (available only on GRCh38), this variant is reported in 0.11% (5/4568) in individuals of Middle Eastern ancestry including one homozygote. At this time, the clinical significance of this variant is uncertain due to the absence of conclusive functional and genetic evidence.

Labcorp Genetics (formerly Invitae), Labcorp
Classification: Uncertain significance. Last evaluated: 2025-12-02. Review status: criteria provided, single submitter. Criteria: Invitae Variant Classification Sherloc (09022015). Collection method: clinical testing. Allele origin: germline.
Comment: This sequence change replaces proline, which is neutral and non-polar, with glutamine, which is neutral and polar, at codon 22 of the SH2B1 protein (p.Pro22Gln). This variant is present in population databases (rs749598219, gnomAD 0.02%). This missense change has been observed in individual(s) with SH2B1-related conditions (PMID: 37329217). ClinVar contains an entry for this variant (Variation ID: 2346095). An algorithm developed to predict the effect of missense changes on protein structure and function (PolyPhen-2) suggests that this variant is likely to be disruptive. In summary, the available evidence is currently insufficient to determine the role of this variant in disease. Therefore, it has been classified as a Variant of Uncertain Significance.

Ambry Genetics
Classification: Uncertain significance. Last evaluated: 2021-08-09. Review status: criteria provided, single submitter. Criteria: Ambry Variant Classification Scheme 2023. Collection method: clinical testing. Allele origin: germline.

Literature cited by the submitters: PubMed 37329217 (cited by Labcorp Genetics (formerly Invitae), Labcorp).

NM_001387430.1(SH2B1):c.65C>A (p.Pro22Gln)

Gene: SH2B1 (SH2B adaptor protein 1; plus strand). Cytogenetic location: 16p11.2.
Variant type: single nucleotide variant.
Coding change: c.65C>A on transcript NM_001387430.1 (MANE Select); coding-DNA position 65, C replaced by A.
Protein change: p.Pro22Gln; replaces proline 22 with glutamine.
Molecular consequence: missense variant. On other transcripts: intron variant (1).
Genome position (GRCh38, 1-based): chr16:28,866,159, C>A. VCF-style: chr16-28866159-C-A. GRCh37 (hg19) VCF-style: chr16-28877480-C-A.
Other names: c.65C>A, p.Pro22Gln (NM_001145795.2, NM_001145796.2, NM_001145797.2 and 4 more transcripts); c.-26-1215C>A (NM_001308294.2); short protein forms P22Q.
Identifiers: ClinVar variation 2346095 (VCV002346095.5), dbSNP rs749598219, ClinGen allele CA7985838.